The following is an entry in ClinVar:

ClinVar aggregate classification (germline): Uncertain significance (1 of 4 stars; one submission).

Conditions:
Neurofibromatosis, type 1 (NF1). Also called: VON RECKLINGHAUSEN DISEASE; Neurofibromatosis, type I; NEUROFIBROMATOSIS, TYPE I, SOMATIC; Peripheral type neurofibromatosis. Identifiers: Orphanet 636, MedGen C0027831, MONDO:0018975, OMIM 162200. Disease mechanism: loss of function.

Submission:

Labcorp Genetics (formerly Invitae), Labcorp
Classification: Uncertain significance for Neurofibromatosis, type 1. Last evaluated: 2025-05-13. Review status: criteria provided, single submitter. Criteria: Invitae Variant Classification Sherloc (09022015). Collection method: clinical testing. Allele origin: germline.
Comment: This sequence change replaces lysine, which is basic and polar, with arginine, which is basic and polar, at codon 2148 of the NF1 protein (p.Lys2148Arg). This variant is not present in population databases (gnomAD no frequency). This variant has not been reported in the literature in individuals affected with NF1-related conditions. Invitae Evidence Modeling of protein sequence and biophysical properties (such as structural, functional, and spatial information, amino acid conservation, physicochemical variation, residue mobility, and thermodynamic stability) indicates that this missense variant is expected to disrupt NF1 protein function with a positive predictive value of 95%. In summary, the available evidence is currently insufficient to determine the role of this variant in disease. Therefore, it has been classified as a Variant of Uncertain Significance.

NM_001042492.3(NF1):c.6506A>G (p.Lys2169Arg)

Gene: NF1 (neurofibromin 1; plus strand). Cytogenetic location: 17q11.2.
Variant type: single nucleotide variant.
Coding change: c.6506A>G on transcript NM_001042492.3 (MANE Select); coding-DNA position 6506, A replaced by G.
Protein change: p.Lys2169Arg; replaces lysine 2169 with arginine.
Molecular consequence: missense variant.
Genome position (GRCh38, 1-based): chr17:31,337,446, A>G. VCF-style: chr17-31337446-A-G. GRCh37 (hg19) VCF-style: chr17-29664464-A-G.
Other names: c.6443A>G, p.Lys2148Arg (NM_000267.4); short protein forms K2148R, K2169R.
Identifiers: ClinVar variation 4800793 (VCV004800793.1).
Genomic context (GRCh38, chr17:31,337,446, plus strand): 5'-TGAGACTCAGTCTGACAGAGTTCTCATTACCCAAATTTTACTTGCTGTTTGGCATTAGCA[A>G]AGTCAAGTCAGCTGCTGTCATTGCCTTCCGTTCCAGTTACCGGGACAGGTCATTCTCTCC-3'
Protein context (NP_001035957.1, residues 2159-2179): PKFYLLFGIS[Lys2169Arg]VKSAAVIAFR